The following is an entry in ClinVar:

NM_001792.5(CDH2):c.1417G>A (p.Gly473Arg)

Gene: CDH2 (cadherin 2; minus strand). Cytogenetic location: 18q12.1.
Variant type: single nucleotide variant.
Coding change: c.1417G>A on transcript NM_001792.5 (MANE Select); coding-DNA position 1417, G replaced by A.
Protein change: p.Gly473Arg; replaces glycine 473 with arginine.
Molecular consequence: missense variant.
Genome position (GRCh38, 1-based): chr18:27,990,278, C>T on the plus strand (G>A on the coding strand, the complement: CDH2 is on the minus strand). VCF-style: chr18-27990278-C-T. GRCh37 (hg19) VCF-style: chr18-25570242-C-T.
Other names: c.1324G>A, p.Gly442Arg (NM_001308176.2); short protein forms G442R, G473R.
Identifiers: ClinVar variation 4975872 (VCV004975872.1).

ClinVar aggregate classification (germline): Uncertain significance (1 of 4 stars; one submission).

Submission:

GeneDx
Classification: Uncertain significance. Last evaluated: 2026-02-10. Review status: criteria provided, single submitter. Criteria: GeneDx Variant Classification Process June 2021. Collection method: clinical testing. Allele origin: germline.
Comment: Not observed at significant frequency in large population cohorts (gnomAD); In silico analysis supports that this missense variant has a deleterious effect on protein structure/function; Has not been previously published as pathogenic or benign to our knowledge